The following is an entry in ClinVar:

NM_000929.3(PLA2G5):c.158G>A (p.Arg53Gln)

Gene: PLA2G5 (phospholipase A2 group V; plus strand). Cytogenetic location: 1p36.13.
Variant type: single nucleotide variant.
Coding change: c.158G>A on transcript NM_000929.3 (MANE Select); coding-DNA position 158, G replaced by A.
Protein change: p.Arg53Gln; replaces arginine 53 with glutamine.
Molecular consequence: missense variant.
Genome position (GRCh38, 1-based): chr1:20,086,200, G>A. VCF-style: chr1-20086200-G-A. GRCh37 (hg19) VCF-style: chr1-20412693-G-A.
Other names: c.158G>A (NM_000929.2); short protein forms R53Q.
Identifiers: ClinVar variation 2080672 (VCV002080672.5), dbSNP rs752798095, ClinGen allele CA658185.

ClinVar aggregate classification (germline): Uncertain significance. Review status: criteria provided, multiple submitters, no conflicts (2 of 4 stars). 2 submissions from 2 submitters: Uncertain significance (2). Last evaluated 2025-04-05.

Allele frequency attached by ClinVar (database versions not stated): ExAC 0.00001; gnomAD exomes 0.00001; gnomAD 0.00003; TOPMed 0.00003.
gnomAD v4.1: 17 of 1,613,988 alleles (0.0011%); highest among the groups gnomAD compares: African/African-American, 0.013%; no homozygotes.

Submissions (2):

Ambry Genetics
Classification: Uncertain significance. Last evaluated: 2025-04-05. Review status: criteria provided, single submitter. Criteria: Ambry Variant Classification Scheme 2023. Collection method: clinical testing. Allele origin: germline.

Labcorp Genetics (formerly Invitae), Labcorp
Classification: Uncertain significance. Last evaluated: 2025-01-27. Review status: criteria provided, single submitter. Criteria: Invitae Variant Classification Sherloc (09022015). Collection method: clinical testing. Allele origin: germline.
Comment: This sequence change replaces arginine, which is basic and polar, with glutamine, which is neutral and polar, at codon 53 of the PLA2G5 protein (p.Arg53Gln). The frequency data for this variant in the population databases is considered unreliable, as metrics indicate poor data quality at this position in the gnomAD database. This variant has not been reported in the literature in individuals affected with PLA2G5-related conditions. ClinVar contains an entry for this variant (Variation ID: 2080672). An algorithm developed to predict the effect of missense changes on protein structure and function outputs the following: PolyPhen-2: "Benign". The glutamine amino acid residue is found in multiple mammalian species, which suggests that this missense change does not adversely affect protein function. In summary, the available evidence is currently insufficient to determine the role of this variant in disease. Therefore, it has been classified as a Variant of Uncertain Significance.